The following is an entry in ClinVar:

ClinVar aggregate classification (germline): Uncertain significance. Review status: criteria provided, multiple submitters, no conflicts (2 of 4 stars). 2 submissions from 2 submitters: Uncertain significance (2). Last evaluated 2026-02-04.

Conditions:
ALPK3-related disorder. Also called: ALPK3-related condition.

Allele frequency attached by ClinVar (database versions not stated): gnomAD exomes 0.00001; TOPMed 0.00001; ExAC 0.00002; gnomAD 0.00002.
gnomAD v4.1: 15 of 1,613,780 alleles (0.00093%); highest among the groups gnomAD compares: South Asian, 0.0044%; no homozygotes.

Submissions (2):

PreventionGenetics, part of Exact Sciences
Classification: Uncertain significance for ALPK3-related condition. Last evaluated: 2026-02-04. Review status: criteria provided, single submitter. Criteria: ACMG Guidelines, 2015. Collection method: clinical testing. Allele origin: germline.
Comment: The ALPK3 c.4621G>A variant is predicted to result in the amino acid substitution p.Val1541Ile. To our knowledge, this variant has not been reported in the literature. This variant is reported in 0.0033% of alleles in individuals of South Asian descent in gnomAD. At this time, the clinical significance of this variant is uncertain due to the absence of conclusive functional and genetic evidence.

Labcorp Genetics (formerly Invitae), Labcorp
Classification: Uncertain significance. Last evaluated: 2025-12-13. Review status: criteria provided, single submitter. Criteria: Invitae Variant Classification Sherloc (09022015). Collection method: clinical testing. Allele origin: germline.
Comment: This sequence change replaces valine, which is neutral and non-polar, with isoleucine, which is neutral and non-polar, at codon 1541 of the ALPK3 protein (p.Val1541Ile). This variant is present in population databases (rs756951762, gnomAD 0.003%). This variant has not been reported in the literature in individuals affected with ALPK3-related conditions. ClinVar contains an entry for this variant (Variation ID: 1509593). Invitae Evidence Modeling of protein sequence and biophysical properties (such as structural, functional, and spatial information, amino acid conservation, physicochemical variation, residue mobility, and thermodynamic stability) indicates that this missense variant is expected to disrupt ALPK3 protein function with a positive predictive value of 80%. In summary, the available evidence is currently insufficient to determine the role of this variant in disease. Therefore, it has been classified as a Variant of Uncertain Significance.

NM_020778.5(ALPK3):c.4015G>A (p.Val1339Ile)

Gene: ALPK3 (alpha kinase 3; plus strand). Cytogenetic location: 15q25.3.
Variant type: single nucleotide variant.
Coding change: c.4015G>A on transcript NM_020778.5 (MANE Select); coding-DNA position 4015, G replaced by A.
Protein change: p.Val1339Ile; replaces valine 1339 with isoleucine.
Molecular consequence: missense variant.
Genome position (GRCh38, 1-based): chr15:84,859,825, G>A. VCF-style: chr15-84859825-G-A. GRCh37 (hg19) VCF-style: chr15-85403056-G-A.
Other names: c.4621G>A (NM_020778.4); short protein forms V1339I.
Identifiers: ClinVar variation 1509593 (VCV001509593.9), dbSNP rs756951762, ClinGen allele CA7709807.